The following is an entry in ClinVar:

NM_206933.4(USH2A):c.10866_10867delinsAACCA (p.Tyr3623delinsThrAsn)

Gene: USH2A (usherin; minus strand). Cytogenetic location: 1q41.
Variant type: Indel.
Coding change: c.10866_10867delinsAACCA on transcript NM_206933.4 (MANE Select); coding-DNA positions 10866 to 10867, GT replaced by AACCA.
Protein change: p.Tyr3623delinsThrAsn.
Molecular consequence: inframe indel.
Genome position (GRCh38, 1-based): chr1:215,779,915-215,779,916, AC replaced by TGGTT on the plus strand (GT replaced by AACCA on the coding strand, the reverse complement: USH2A is on the minus strand). VCF-style: chr1-215779915-AC-TGGTT. GRCh37 (hg19) VCF-style: chr1-215953257-AC-TGGTT.
Identifiers: ClinVar variation 3390779 (VCV003390779.1).

ClinVar aggregate classification (germline): Uncertain significance (1 of 4 stars; one submission).

Submission:

GeneDx
Classification: Uncertain significance. Last evaluated: 2024-06-11. Review status: criteria provided, single submitter. Criteria: GeneDx Variant Classification Process June 2021. Collection method: clinical testing. Allele origin: germline. Affected: yes.
Comment: Not observed at significant frequency in large population cohorts (gnomAD); In-frame deletion of 1 amino acid and insertion of 2 different amino acids; Has not been previously published as pathogenic or benign to our knowledge